The following is an entry in ClinVar:

NM_152722.5(HEPACAM):c.740C>T (p.Thr247Ile)

Gene: HEPACAM (hepatic and glial cell adhesion molecule; minus strand). Cytogenetic location: 11q24.2.
Variant type: single nucleotide variant.
Coding change: c.740C>T on transcript NM_152722.5 (MANE Select); coding-DNA position 740, C replaced by T.
Protein change: p.Thr247Ile; replaces threonine 247 with isoleucine.
Molecular consequence: missense variant.
Genome position (GRCh38, 1-based): chr11:124,923,403, G>A on the plus strand (C>T on the coding strand, the complement: HEPACAM is on the minus strand). VCF-style: chr11-124923403-G-A. GRCh37 (hg19) VCF-style: chr11-124793299-G-A.
Other names: p.Thr247Ile; short protein forms T247I.
Identifiers: ClinVar variation 303330 (VCV000303330.12), dbSNP rs145619784, ClinGen allele CA6345661.

ClinVar aggregate classification (germline): Uncertain significance. Review status: criteria provided, multiple submitters, no conflicts (2 of 4 stars). 4 submissions from 4 submitters: Uncertain significance (4). Last evaluated 2024-08-06.

Conditions:
Megalencephalic leukoencephalopathy with subcortical cysts. Also called: VAN DER KNAAP DISEASE. Identifiers: Orphanet 2478, MedGen C1858854, MONDO:0011391.
Inborn genetic diseases. Identifiers: MedGen C0950123, MeSH D030342.

Allele frequency attached by ClinVar (database versions not stated): gnomAD exomes 0.00010 and 0.00020; gnomAD 0.00011 and 0.00012; ExAC 0.00012; TOPMed 0.00013; 1000 Genomes Project 30x 0.00016; 1000 Genomes Project 0.00020; ESP Exome Variant Server 0.00031.
gnomAD v4.1: 313 of 1,613,110 alleles (0.019%); highest among the groups gnomAD compares: Non-Finnish European, 0.025%; no homozygotes.

Submissions (4):

Labcorp Genetics (formerly Invitae), Labcorp
Classification: Uncertain significance. Last evaluated: 2024-08-06. Review status: criteria provided, single submitter. Criteria: Invitae Variant Classification Sherloc (09022015). Collection method: clinical testing. Allele origin: germline.
Comment: This sequence change replaces threonine, which is neutral and polar, with isoleucine, which is neutral and non-polar, at codon 247 of the HEPACAM protein (p.Thr247Ile). This variant is present in population databases (rs145619784, gnomAD 0.02%). This variant has not been reported in the literature in individuals affected with HEPACAM-related conditions. ClinVar contains an entry for this variant (Variation ID: 303330). Advanced modeling of protein sequence and biophysical properties (such as structural, functional, and spatial information, amino acid conservation, physicochemical variation, residue mobility, and thermodynamic stability) has been performed at Invitae for this missense variant, however the output from this modeling did not meet the statistical confidence thresholds required to predict the impact of this variant on HEPACAM protein function. Algorithms developed to predict the effect of sequence changes on RNA splicing suggest that this variant may disrupt the consensus splice site. In summary, the available evidence is currently insufficient to determine the role of this variant in disease. Therefore, it has been classified as a Variant of Uncertain Significance.

Ambry Genetics
Classification: Uncertain significance for Inborn genetic diseases. Last evaluated: 2024-07-09. Review status: criteria provided, single submitter. Criteria: Ambry Variant Classification Scheme 2023. Collection method: clinical testing. Allele origin: germline.

Mayo Clinic Laboratories, Mayo Clinic
Classification: Uncertain significance. Last evaluated: 2024-06-19. Review status: criteria provided, single submitter. Criteria: ACMG Guidelines, 2015. Collection method: clinical testing. Allele origin: germline. Observed: 1 variant allele.
Comment: BP4, PM2

Illumina Laboratory Services, Illumina
Classification: Uncertain significance for Megalencephalic leukoencephalopathy with subcortical cysts. Last evaluated: 2018-01-13. Review status: criteria provided, single submitter. Criteria: ICSL Variant Classification Criteria 13 December 2019. Collection method: clinical testing. Allele origin: germline.

Literature cited by the submitters: PubMed 36199823 (cited by Mayo Clinic Laboratories, Mayo Clinic).